The following is an entry in ClinVar:

ClinVar aggregate classification (germline): Uncertain significance (1 of 4 stars; one submission).

Conditions:
Intellectual developmental disorder, autosomal dominant 1. Also called: Intellectual disability, autosomal dominant 1; MBD5 Haploinsufficiency. Identifiers: Orphanet 228402, MedGen C1969562, MONDO:0007974, OMIM 156200.

gnomAD v4.1: 1 of 1,614,154 alleles (0.000062%); highest among the groups gnomAD compares: Non-Finnish European, 0.000085%; no homozygotes.

Submission:

Baylor Genetics
Classification: Uncertain significance for Intellectual developmental disorder, autosomal dominant 1. Last evaluated: 2020-06-09. Review status: criteria provided, single submitter. Criteria: ACMG Guidelines, 2015. Collection method: clinical testing. Allele origin: unknown. Affected: yes.
Comment: This variant was determined to be of uncertain significance according to ACMG Guidelines, 2015 [PMID:25741868].

NM_001378120.1(MBD5):c.4837C>A (p.Pro1613Thr)

Gene: MBD5 (methyl-CpG binding domain protein 5; plus strand). Cytogenetic location: 2q23.1.
Variant type: single nucleotide variant.
Coding change: c.4837C>A on transcript NM_001378120.1 (MANE Select); coding-DNA position 4837, C replaced by A.
Protein change: p.Pro1613Thr; replaces proline 1613 with threonine.
Molecular consequence: missense variant.
Genome position (GRCh38, 1-based): chr2:148,490,469, C>A. VCF-style: chr2-148490469-C-A. GRCh37 (hg19) VCF-style: chr2-149248038-C-A.
Other names: c.4138C>A, p.Pro1380Thr (NM_018328.5); short protein forms P1380T, P1613T.
Identifiers: ClinVar variation 1030650 (VCV001030650.1), dbSNP rs773779478, ClinGen allele CA348731657.